The following is an entry in ClinVar:

NM_007254.4(PNKP):c.637-13del

Gene: PNKP (polynucleotide kinase 3'-phosphatase; minus strand). Cytogenetic location: 19q13.33.
Variant type: Deletion.
Coding change: c.637-13del on transcript NM_007254.4 (MANE Select); 13 bases into the intron before coding-DNA position 637, one base deleted (C; older notation c.637-13delC).
Molecular consequence: intron variant.
Genome position (GRCh38, 1-based): chr19:49,864,084, G deleted on the plus strand (C on the coding strand, the reverse complement: PNKP is on the minus strand); the first of 3 consecutive G bases (chr19:49,864,084-49,864,086); deleting any one gives the same sequence. VCF-style (leftmost placement, unchanged base first): chr19-49864083-AG-A. GRCh37 (hg19) VCF-style: chr19-50367340-AG-A.
Other names: c.637-13delC (NM_007254.2).
Identifiers: ClinVar variation 418905 (VCV000418905.6), dbSNP rs754413273, ClinGen allele CA9586836.
Genomic context (GRCh38, chr19:49,864,083, plus strand): 5'-CTGGCAGCTTCCCGCGCCCGATGCTCATCTGGTTGGTGAAGATCACCAGCTGGGGAGCAA[AG>A]GGTGTCACCAGACGCTCTGCTCACCAGGGCCTTGGTCTGACTGCGGTCGGACCGCCACGT-3'

ClinVar aggregate classification (germline): Likely benign. Review status: criteria provided, multiple submitters, no conflicts (2 of 4 stars). 2 submissions from 2 submitters: Likely benign (2). Last evaluated 2026-02-02.

Conditions:
Developmental and epileptic encephalopathy, 12 (DEE12). Identifiers: MedGen C3150988, MONDO:0013389, OMIM 613722.

Submissions (2):

Labcorp Genetics (formerly Invitae), Labcorp
Classification: Likely benign for Developmental and epileptic encephalopathy, 12. Last evaluated: 2026-02-02. Review status: criteria provided, single submitter. Criteria: Invitae Variant Classification Sherloc (09022015). Collection method: clinical testing. Allele origin: germline.

GeneDx
Classification: Likely benign. Last evaluated: 2017-09-01. Review status: criteria provided, single submitter. Criteria: GeneDx Variant Classification (06012015). Collection method: clinical testing. Allele origin: germline. Affected: yes.
Comment: This variant is considered likely benign or benign based on one or more of the following criteria: it is a conservative change, it occurs at a poorly conserved position in the protein, it is predicted to be benign by multiple in silico algorithms, and/or has population frequency not consistent with disease.